The following is an entry in ClinVar:

ClinVar aggregate classification (germline): Likely pathogenic (1 of 4 stars; one submission).

Conditions:
Hereditary cancer-predisposing syndrome. Also called: Hereditary neoplastic syndrome; Tumor predisposition; Hereditary Cancer Syndrome; Neoplastic Syndromes, Hereditary. Identifiers: Orphanet 140162, MedGen C0027672, MeSH D009386, MONDO:0015356.

Submission:

Ambry Genetics
Classification: Likely pathogenic for Hereditary cancer-predisposing syndrome. Last evaluated: 2023-07-18. Review status: criteria provided, single submitter. Criteria: Ambry Variant Classification Scheme 2023. Collection method: clinical testing. Allele origin: germline.
Comment: The c.2002-15_2003del17 variant results from a deletion of 17 nucleotides between positions 2002-15 and 2003 and involves the canonical splice acceptor site before coding exon 11 of the BARD1 gene. This variant is considered to be rare based on population cohorts in the Genome Aggregation Database (gnomAD). The nucleotide positions at this acceptor site are highly conserved in available vertebrate species. In silico splice site analysis predicts that this alteration will weaken the native splice acceptor site; however, the exact impact of this deletion on BARD1 splicing and function is currently unknown. Alterations that disrupt the canonical splice site are expected to cause aberrant splicing, resulting in an abnormal protein or a transcript that is subject to nonsense-mediated mRNA decay. As such, this alteration is classified as likely pathogenic.

NM_000465.4(BARD1):c.2002-15_2003del

Gene: BARD1 (BRCA1 associated RING domain 1; minus strand). Cytogenetic location: 2q35.
Variant type: Deletion.
Coding change: c.2002-15_2003del on transcript NM_000465.4 (MANE Select); 15 bases into the intron before coding-DNA position 2002 through coding-DNA position 2003, 17 bases deleted (TTCTCATTATTTCAGTT).
Molecular consequence: splice acceptor variant.
Genome position (GRCh38, 1-based): chr2:214,729,007-214,729,023, AACTGAAATAATGAGAA deleted on the plus strand (TTCTCATTATTTCAGTT on the coding strand, the reverse complement: BARD1 is on the minus strand); deleting any 17 consecutive bases within chr2:214,729,007-214,729,026 gives the same sequence; the c. name uses the placement nearest the transcript's 3' end. VCF-style (leftmost placement, unchanged base first): chr2-214729006-CAACTGAAATAATGAGAA-C. GRCh37 (hg19) VCF-style: chr2-215593730-CAACTGAAATAATGAGAA-C.
Other names: c.592-15_593del (NM_001282548.2); c.1945-15_1946del (NM_001282543.2); c.649-15_650del (NM_001282545.2); c.463-15_464del (NM_001282549.2).
Identifiers: ClinVar variation 2585702 (VCV002585702.2), dbSNP rs2469271486, ClinGen allele CA2582342054.
Genomic context (GRCh38, chr2:214,729,006, plus strand): 5'-CTTTGGATGGTGTTTGAAGGTTCCCCACAAATAGAAGTAGCATCCATCAAACAGCTTTGG[CAACTGAAATAATGAGAA>C]AACATTTGTTAAAGGCAGATCAAAATACTGTATTCAAAAACACTGTATATGAATGAGGAA-3'